The following is an entry in ClinVar:

NM_002180.3(IGHMBP2):c.464T>C (p.Leu155Pro)

Gene: IGHMBP2 (immunoglobulin mu DNA binding protein 2; plus strand). Cytogenetic location: 11q13.3.
Variant type: single nucleotide variant.
Coding change: c.464T>C on transcript NM_002180.3 (MANE Select); coding-DNA position 464, T replaced by C.
Protein change: p.Leu155Pro; replaces leucine 155 with proline.
Molecular consequence: missense variant.
Genome position (GRCh38, 1-based): chr11:68,908,548, T>C. VCF-style: chr11-68908548-T-C. GRCh37 (hg19) VCF-style: chr11-68676016-T-C.
Other names: short protein forms L155P.
Identifiers: ClinVar variation 1389564 (VCV001389564.6), dbSNP rs1594418365, ClinGen allele CA381643440.
Genomic context (GRCh38, chr11:68,908,548, plus strand): 5'-GGCACTGAATTGCAGGTGTTCTAATTTTAGTTTTCTCCCTTGGCAGAGCCCTGATTGCTC[T>C]AAAGAAGTATCATTCTGGCCCAGCCTCCTCACTCATAGAAGTGCTCTTTGGCAGATCTGC-3'
Protein context (NP_002171.2, residues 145-165): YRRLKKALIA[Leu155Pro]KKYHSGPASS

ClinVar aggregate classification (germline): Uncertain significance (1 of 4 stars; one submission).

Conditions:
Autosomal recessive distal spinal muscular atrophy 1. Also called: NEURONOPATHY, SEVERE INFANTILE AXONAL, WITH RESPIRATORY FAILURE; SEVERE INFANTILE AXONAL NEUROPATHY WITH RESPIRATORY FAILURE; SPINAL MUSCULAR ATROPHY, DIAPHRAGMATIC; HMN VI; Spinal muscular atrophy with respiratory distress 1; NEURONOPATHY, DISTAL HEREDITARY MOTOR, HARDING TYPE VI. Identifiers: Orphanet 98920, MedGen C1858517, MONDO:0011436, OMIM 604320.
Charcot-Marie-Tooth disease axonal type 2S. Also called: CHARCOT-MARIE-TOOTH NEUROPATHY, TYPE 2S; CHARCOT-MARIE-TOOTH DISEASE, AXONAL, AUTOSOMAL RECESSIVE, TYPE 2S. Identifiers: Orphanet 443073, MedGen C4015349, MONDO:0014511, OMIM 616155.

Submission:

Labcorp Genetics (formerly Invitae), Labcorp
Classification: Uncertain significance for Autosomal recessive distal spinal muscular atrophy 1; Charcot-Marie-Tooth disease axonal type 2S. Last evaluated: 2021-10-27. Review status: criteria provided, single submitter. Criteria: Invitae Variant Classification Sherloc (09022015). Collection method: clinical testing. Allele origin: germline.
Comment: In summary, the available evidence is currently insufficient to determine the role of this variant in disease. Therefore, it has been classified as a Variant of Uncertain Significance. Advanced modeling of protein sequence and biophysical properties (such as structural, functional, and spatial information, amino acid conservation, physicochemical variation, residue mobility, and thermodynamic stability) performed at Invitae indicates that this missense variant is expected to disrupt IGHMBP2 protein function. This variant has not been reported in the literature in individuals affected with IGHMBP2-related conditions. This variant is not present in population databases (gnomAD no frequency). This sequence change replaces leucine, which is neutral and non-polar, with proline, which is neutral and non-polar, at codon 155 of the IGHMBP2 protein (p.Leu155Pro).